The following is an entry in ClinVar:

NM_014049.5(ACAD9):c.720C>G (p.Asp240Glu)

Gene: ACAD9 (acyl-CoA dehydrogenase family member 9; plus strand). Cytogenetic location: 3q21.3.
Variant type: single nucleotide variant.
Coding change: c.720C>G on transcript NM_014049.5 (MANE Select); coding-DNA position 720, C replaced by G.
Protein change: p.Asp240Glu; replaces aspartic acid 240 with glutamic acid.
Molecular consequence: missense variant. On other transcripts: non-coding transcript variant (1).
Genome position (GRCh38, 1-based): chr3:128,899,373, C>G. VCF-style: chr3-128899373-C-G. GRCh37 (hg19) VCF-style: chr3-128618216-C-G.
Other names: c.351C>G, p.Asp117Glu (NM_001410805.1); c.720C>G (NM_014049.4); short protein forms D240E, D117E.
Identifiers: ClinVar variation 2147565 (VCV002147565.4), dbSNP rs1000084357, ClinGen allele CA82529204.
Genomic context (GRCh38, chr3:128,899,373, plus strand): 5'-CAATATTTTTACTGTGTTTGCAAAGACTGAGGTCGTTGATTCTGATGGATCAGTGAAAGA[C>G]AAAATCACAGCATTCATAGTAGAAAGAGACTTTGGTGGAGTCACTAATGGGAAACCCGAA-3'
Protein context (NP_054768.2, residues 230-250): EVVDSDGSVK[Asp240Glu]KITAFIVERD

ClinVar aggregate classification (germline): Uncertain significance. Review status: criteria provided, multiple submitters, no conflicts (2 of 4 stars). 2 submissions from 2 submitters: Uncertain significance (2). Last evaluated 2025-08-11.

Conditions:
Inborn genetic diseases. Identifiers: MedGen C0950123, MeSH D030342.

gnomAD v4.1: 1 of 1,614,268 alleles (0.000062%); highest among the groups gnomAD compares: Non-Finnish European, 0.000085%; no homozygotes.

Submissions (2):

Labcorp Genetics (formerly Invitae), Labcorp
Classification: Uncertain significance. Last evaluated: 2025-08-11. Review status: criteria provided, single submitter. Criteria: Invitae Variant Classification Sherloc (09022015). Collection method: clinical testing. Allele origin: germline.
Comment: This sequence change replaces aspartic acid, which is acidic and polar, with glutamic acid, which is acidic and polar, at codon 240 of the ACAD9 protein (p.Asp240Glu). This variant is not present in population databases (gnomAD no frequency). This variant has not been reported in the literature in individuals affected with ACAD9-related conditions. ClinVar contains an entry for this variant (Variation ID: 2147565). Invitae Evidence Modeling of protein sequence and biophysical properties (such as structural, functional, and spatial information, amino acid conservation, physicochemical variation, residue mobility, and thermodynamic stability) indicates that this missense variant is not expected to disrupt ACAD9 protein function with a negative predictive value of 80%. In summary, the available evidence is currently insufficient to determine the role of this variant in disease. Therefore, it has been classified as a Variant of Uncertain Significance.

Ambry Genetics
Classification: Uncertain significance for Inborn genetic diseases. Last evaluated: 2025-08-06. Review status: criteria provided, single submitter. Criteria: Ambry Variant Classification Scheme 2023. Collection method: clinical testing. Allele origin: germline.